The following is an entry in ClinVar:

NM_025009.5(CEP135):c.292C>A (p.Gln98Lys)

Gene: CEP135 (centrosomal protein 135; plus strand). Cytogenetic location: 4q12.
Variant type: single nucleotide variant.
Coding change: c.292C>A on transcript NM_025009.5 (MANE Select); coding-DNA position 292, C replaced by A.
Protein change: p.Gln98Lys; replaces glutamine 98 with lysine.
Molecular consequence: missense variant.
Genome position (GRCh38, 1-based): chr4:55,953,263, C>A. VCF-style: chr4-55953263-C-A. GRCh37 (hg19) VCF-style: chr4-56819429-C-A.
Other names: short protein forms Q98K.
Identifiers: ClinVar variation 1964660 (VCV001964660.5), dbSNP rs749547226, ClinGen allele CA2927492.

ClinVar aggregate classification (germline): Uncertain significance (1 of 4 stars; one submission).

Allele frequency attached by ClinVar (database versions not stated): gnomAD exomes below 0.00001; ExAC 0.00002.
gnomAD v4.1: 4 of 1,538,444 alleles (0.00026%); highest among the groups gnomAD compares: South Asian, 0.005%; no homozygotes.

Submission:

Labcorp Genetics (formerly Invitae), Labcorp
Classification: Uncertain significance. Last evaluated: 2022-06-03. Review status: criteria provided, single submitter. Criteria: Invitae Variant Classification Sherloc (09022015). Collection method: clinical testing. Allele origin: germline.
Comment: In summary, the available evidence is currently insufficient to determine the role of this variant in disease. Therefore, it has been classified as a Variant of Uncertain Significance. This sequence change replaces glutamine, which is neutral and polar, with lysine, which is basic and polar, at codon 98 of the CEP135 protein (p.Gln98Lys). This variant is present in population databases (rs749547226, gnomAD 0.01%). This variant has not been reported in the literature in individuals affected with CEP135-related conditions. Algorithms developed to predict the effect of missense changes on protein structure and function output the following: SIFT: "Tolerated"; PolyPhen-2: "Benign"; Align-GVGD: "Class C0". The lysine amino acid residue is found in multiple mammalian species, which suggests that this missense change does not adversely affect protein function.